The following is an entry in ClinVar:

NM_006514.4(SCN10A):c.470+5G>A

Gene: SCN10A (sodium voltage-gated channel alpha subunit 10; minus strand). Cytogenetic location: 3p22.2.
Variant type: single nucleotide variant.
Coding change: c.470+5G>A on transcript NM_006514.4 (MANE Select); 5 bases into the intron after coding-DNA position 470, G replaced by A.
Molecular consequence: intron variant.
Genome position (GRCh38, 1-based): chr3:38,788,951, C>T on the plus strand (G>A on the coding strand, the complement: SCN10A is on the minus strand). VCF-style: chr3-38788951-C-T. GRCh37 (hg19) VCF-style: chr3-38830442-C-T.
Other names: c.470+5G>A (NM_006514.2, NM_001293307.2, NM_001293306.2).
Identifiers: ClinVar variation 956731 (VCV000956731.7), dbSNP rs748885768, ClinGen allele CA2321197.

ClinVar aggregate classification (germline): Uncertain significance. Review status: criteria provided, multiple submitters, no conflicts (2 of 4 stars). 4 submissions from 4 submitters: Uncertain significance (4). Last evaluated 2025-09-29.

Conditions:
Cardiovascular phenotype. Identifiers: MedGen CN230736.
Brugada syndrome. Also called: Sudden unexplained nocturnal death syndrome; Sudden unexpected nocturnal death syndrome; Sudden Unexplained Death Syndrome; Sudden Unexplained Nocturnal Death Syndrome (SUNDS). Identifiers: Orphanet 130, MedGen C1142166, MONDO:0015263.

Allele frequency attached by ClinVar (database versions not stated): gnomAD 0.00001; TOPMed 0.00001; gnomAD exomes 0.00002 and 0.00004; ExAC 0.00003.
gnomAD v4.1: 52 of 1,549,750 alleles (0.0034%); highest among the groups gnomAD compares: Non-Finnish European, 0.0046%; no homozygotes.

Submissions (4):

Labcorp Genetics (formerly Invitae), Labcorp
Classification: Uncertain significance for Brugada syndrome. Last evaluated: 2025-09-29. Review status: criteria provided, single submitter. Criteria: Invitae Variant Classification Sherloc (09022015). Collection method: clinical testing. Allele origin: germline.
Comment: This sequence change falls in intron 3 of the SCN10A gene. It does not directly change the encoded amino acid sequence of the SCN10A protein. It affects a nucleotide within the consensus splice site. This variant is present in population databases (rs748885768, gnomAD 0.005%). This variant has not been reported in the literature in individuals affected with SCN10A-related conditions. ClinVar contains an entry for this variant (Variation ID: 956731). Variants that disrupt the consensus splice site are a relatively common cause of aberrant splicing (PMID: 17576681, 9536098). Algorithms developed to predict the effect of sequence changes on RNA splicing suggest that this variant is not likely to affect RNA splicing. In summary, the available evidence is currently insufficient to determine the role of this variant in disease. Therefore, it has been classified as a Variant of Uncertain Significance.

GeneDx
Classification: Uncertain significance. Last evaluated: 2025-07-15. Review status: criteria provided, single submitter. Criteria: GeneDx Variant Classification Process June 2021. Collection method: clinical testing. Allele origin: germline. Affected: yes.
Comment: In silico analysis suggests that this variant does not alter splicing; Has not been previously published as pathogenic or benign to our knowledge

Ambry Genetics
Classification: Uncertain significance for Cardiovascular phenotype. Last evaluated: 2025-06-25. Review status: criteria provided, single submitter. Criteria: Ambry Variant Classification Scheme 2023. Collection method: clinical testing. Allele origin: germline.
Comment: The c.470+5G>A intronic variant results from a G to A substitution 5 nucleotides after coding exon 3 in the SCN10A gene. This nucleotide position is highly conserved in available vertebrate species. In silico splice site analysis predicts that this alteration will not have any significant effect on splicing. The evidence for this gene-disease relationship is limited; therefore, the clinical significance of this alteration is unclear.

Blueprint Genetics
Classification: Uncertain significance. Last evaluated: 2023-10-24. Review status: criteria provided, single submitter. Criteria: ACMG Guidelines, 2015. Collection method: clinical testing. Allele origin: germline.

Literature cited by the submitters: PubMed 17576681 (cited by Labcorp Genetics (formerly Invitae), Labcorp); PubMed 9536098 (cited by Labcorp Genetics (formerly Invitae), Labcorp).